The following is an entry in ClinVar:

NM_001886.3(CRYBA4):c.331G>A (p.Glu111Lys)

Gene: CRYBA4 (crystallin beta A4; plus strand). Cytogenetic location: 22q12.1.
Variant type: single nucleotide variant.
Coding change: c.331G>A on transcript NM_001886.3 (MANE Select); coding-DNA position 331, G replaced by A.
Protein change: p.Glu111Lys; replaces glutamic acid 111 with lysine.
Molecular consequence: missense variant.
Genome position (GRCh38, 1-based): chr22:26,628,318, G>A. VCF-style: chr22-26628318-G-A. GRCh37 (hg19) VCF-style: chr22-27024282-G-A.
Other names: short protein forms E111K.
Identifiers: ClinVar variation 3667958 (VCV003667958.2).

ClinVar aggregate classification (germline): Uncertain significance (1 of 4 stars; one submission).

Conditions:
Cataract 23 (CTRCT23). Also called: Cataract 23, multiple types; CATARACT 23, LAMELLAR. Identifiers: Orphanet 91492, MedGen C3808012, MONDO:0012489, OMIM 610425.

gnomAD v4.1: 51 of 1,613,822 alleles (0.0032%); highest among the groups gnomAD compares: East Asian, 0.0089%; no homozygotes.

Submission:

Labcorp Genetics (formerly Invitae), Labcorp
Classification: Uncertain significance for Cataract 23. Last evaluated: 2025-08-11. Review status: criteria provided, single submitter. Criteria: Invitae Variant Classification Sherloc (09022015). Collection method: clinical testing. Allele origin: germline.
Comment: This sequence change replaces glutamic acid, which is acidic and polar, with lysine, which is basic and polar, at codon 111 of the CRYBA4 protein (p.Glu111Lys). This variant is present in population databases (rs140200694, gnomAD 0.003%). This variant has not been reported in the literature in individuals affected with CRYBA4-related conditions. ClinVar contains an entry for this variant (Variation ID: 3667958). An algorithm developed to predict the effect of missense changes on protein structure and function (PolyPhen-2) suggests that this variant is likely to be tolerated. In summary, the available evidence is currently insufficient to determine the role of this variant in disease. Therefore, it has been classified as a Variant of Uncertain Significance.